The following is an entry in ClinVar:

NM_006073.4(TRDN):c.1975+4del

Gene: TRDN (triadin; minus strand). Cytogenetic location: 6q22.31.
Variant type: Deletion.
Coding change: c.1975+4del on transcript NM_006073.4 (MANE Select); 4 bases into the intron after coding-DNA position 1975, one base deleted (A; older notation c.1975+4delA).
Molecular consequence: intron variant.
Genome position (GRCh38, 1-based): chr6:123,252,408, T deleted on the plus strand (A on the coding strand, the reverse complement: TRDN is on the minus strand); the first of 2 consecutive T bases (chr6:123,252,408-123,252,409); deleting either gives the same sequence. VCF-style (leftmost placement, unchanged base first): chr6-123252407-CT-C. GRCh37 (hg19) VCF-style: chr6-123573552-CT-C.
Other names: c.1975+4delA (NM_006073.3).
Identifiers: ClinVar variation 579261 (VCV000579261.11), dbSNP rs763953757, ClinGen allele CA3983669.

ClinVar aggregate classification (germline): Uncertain significance. Review status: criteria provided, multiple submitters, no conflicts (2 of 4 stars). 3 submissions from 3 submitters: Uncertain significance (3). Last evaluated 2025-08-29.

Conditions:
Cardiovascular phenotype. Identifiers: MedGen CN230736.
Catecholaminergic polymorphic ventricular tachycardia 1. Also called: VENTRICULAR TACHYCARDIA, STRESS-INDUCED POLYMORPHIC 1; RYR2-Related Catecholaminergic Polymorphic Ventricular Tachycardia; VENTRICULAR TACHYCARDIA, CATECHOLAMINERGIC POLYMORPHIC, 1, WITH OR WITHOUT ATRIAL DYSFUNCTION AND/OR DILATED CARDIOMYOPATHY. Identifiers: Orphanet 3286, MedGen C1631597, MONDO:0011484, OMIM 604772.

Submissions (3):

Ambry Genetics
Classification: Uncertain significance for Cardiovascular phenotype. Last evaluated: 2025-08-29. Review status: criteria provided, single submitter. Criteria: Ambry Variant Classification Scheme 2023. Collection method: clinical testing. Allele origin: germline.
Comment: The c.1975+4delA intronic variant, located in intron 38 of the TRDN gene, results from a deletion of one nucleotide within intron 38 of the TRDN gene. This nucleotide position is highly conserved in available vertebrate species. In silico splice site analysis predicts that this alteration will weaken the native splice donor site. Since supporting evidence is limited at this time, the clinical significance of this alteration remains unclear.

Blueprint Genetics
Classification: Uncertain significance. Last evaluated: 2024-01-16. Review status: criteria provided, single submitter. Criteria: ACMG Guidelines, 2015. Collection method: clinical testing. Allele origin: germline.

Labcorp Genetics (formerly Invitae), Labcorp
Classification: Uncertain significance for Catecholaminergic polymorphic ventricular tachycardia 1. Last evaluated: 2022-04-07. Review status: criteria provided, single submitter. Criteria: Invitae Variant Classification Sherloc (09022015). Collection method: clinical testing. Allele origin: germline.
Comment: In summary, the available evidence is currently insufficient to determine the role of this variant in disease. Therefore, it has been classified as a Variant of Uncertain Significance. Variants that disrupt the consensus splice site are a relatively common cause of aberrant splicing (PMID: 17576681, 9536098). Algorithms developed to predict the effect of sequence changes on RNA splicing suggest that this variant may disrupt the consensus splice site. ClinVar contains an entry for this variant (Variation ID: 579261). This variant has not been reported in the literature in individuals affected with TRDN-related conditions. This variant is present in population databases (rs763953757, gnomAD 0.02%). This sequence change falls in intron 38 of the TRDN gene. It does not directly change the encoded amino acid sequence of the TRDN protein. It affects a nucleotide within the consensus splice site.

Literature cited by the submitters: PubMed 17576681 (cited by Labcorp Genetics (formerly Invitae), Labcorp); PubMed 9536098 (cited by Labcorp Genetics (formerly Invitae), Labcorp).